The following is an entry in ClinVar:

ClinVar aggregate classification (germline): Uncertain significance (1 of 4 stars; one submission).

Allele frequency attached by ClinVar (database versions not stated): gnomAD exomes below 0.00001.
gnomAD v4.1: 2 of 1,614,196 alleles (0.00012%); highest among the groups gnomAD compares: South Asian, 0.0022%; no homozygotes.

Submission:

GeneDx
Classification: Uncertain significance. Last evaluated: 2026-01-13. Review status: criteria provided, single submitter. Criteria: GeneDx Variant Classification Process June 2021. Collection method: clinical testing. Allele origin: germline. Affected: yes.
Comment: Not observed at significant frequency in large population cohorts (gnomAD); In silico analysis suggests that this missense variant does not alter protein structure/function; Has not been previously published as pathogenic or benign to our knowledge; Occurs in the triple helical domain within an interruption of the canonical Gly-X-Y repeat

NM_000091.5(COL4A3):c.1957C>A (p.Pro653Thr)

Genes: COL4A3 (collagen type IV alpha 3 chain; plus strand), MFF-DT (MFF divergent transcript; minus strand). Cytogenetic location: 2q36.3.
Variant type: single nucleotide variant.
Coding change: c.1957C>A on transcript NM_000091.5 (MANE Select); coding-DNA position 1957, C replaced by A.
Protein change: p.Pro653Thr; replaces proline 653 with threonine.
Molecular consequence: missense variant.
Genome position (GRCh38, 1-based): chr2:227,276,414, C>A. VCF-style: chr2-227276414-C-A. GRCh37 (hg19) VCF-style: chr2-228141130-C-A.
Other names: short protein forms P653T.
Identifiers: ClinVar variation 1307117 (VCV001307117.3), dbSNP rs2071566860, ClinGen allele CA350846213.
Genomic context (GRCh38, chr2:227,276,414, plus strand): 5'-CCCCAATCTTATGACCACAAATTTCCTTAAGGCCCTAGGGGAGAGCTCAGTGTTTCAACA[C>A]CAGTTCCAGGCCCACCAGGACCTCCAGGGCCCCCTGGCCATCCTGGCCCCCAAGGTCCAC-3'
Protein context (NP_000082.2, residues 643-663): GPRGELSVST[Pro653Thr]VPGPPGPPGP